The following is an entry in ClinVar:

ClinVar aggregate classification (germline): Uncertain significance. Review status: criteria provided, multiple submitters, no conflicts (2 of 4 stars). 2 submissions from 2 submitters: Uncertain significance (2). Last evaluated 2024-06-17.

Conditions:
Inborn genetic diseases. Identifiers: MedGen C0950123, MeSH D030342.
Bethlem myopathy 1A. Also called: MYOPATHY, BENIGN CONGENITAL, WITH CONTRACTURES; Bethlem myopathy 1; Bethlem Muscular Dystrophy. Identifiers: Orphanet 610, MedGen CN029274, MONDO:0024530, OMIM 158810.

Allele frequency attached by ClinVar (database versions not stated): ExAC 0.00001; gnomAD 0.00001.
gnomAD v4.1: 6 of 1,614,096 alleles (0.00037%); highest among the groups gnomAD compares: Non-Finnish European, 0.00051%; no homozygotes.

Submissions (2):

Ambry Genetics
Classification: Uncertain significance for Inborn genetic diseases. Last evaluated: 2024-06-17. Review status: criteria provided, single submitter. Criteria: Ambry Variant Classification Scheme 2023. Collection method: clinical testing. Allele origin: germline.

Labcorp Genetics (formerly Invitae), Labcorp
Classification: Uncertain significance for Bethlem myopathy 1A. Last evaluated: 2024-06-13. Review status: criteria provided, single submitter. Criteria: Invitae Variant Classification Sherloc (09022015). Collection method: clinical testing. Allele origin: germline.
Comment: This sequence change replaces alanine, which is neutral and non-polar, with threonine, which is neutral and polar, at codon 2755 of the COL6A3 protein (p.Ala2755Thr). This variant is present in population databases (rs775790310, gnomAD 0.003%). This missense change has been observed in individual(s) with clinical features of COL6A3-related conditions (Invitae). ClinVar contains an entry for this variant (Variation ID: 1520326). Advanced modeling of protein sequence and biophysical properties (such as structural, functional, and spatial information, amino acid conservation, physicochemical variation, residue mobility, and thermodynamic stability) performed at Invitae indicates that this missense variant is not expected to disrupt COL6A3 protein function with a negative predictive value of 80%. In summary, the available evidence is currently insufficient to determine the role of this variant in disease. Therefore, it has been classified as a Variant of Uncertain Significance.

NM_004369.4(COL6A3):c.8263G>A (p.Ala2755Thr)

Gene: COL6A3 (collagen type VI alpha 3 chain; minus strand). Cytogenetic location: 2q37.3.
Variant type: single nucleotide variant.
Coding change: c.8263G>A on transcript NM_004369.4 (MANE Select); coding-DNA position 8263, G replaced by A.
Protein change: p.Ala2755Thr; replaces alanine 2755 with threonine.
Molecular consequence: missense variant.
Genome position (GRCh38, 1-based): chr2:237,340,653, C>T on the plus strand (G>A on the coding strand, the complement: COL6A3 is on the minus strand). VCF-style: chr2-237340653-C-T. GRCh37 (hg19) VCF-style: chr2-238249296-C-T.
Other names: c.6442G>A, p.Ala2148Thr (NM_057166.5); c.7645G>A, p.Ala2549Thr (NM_057167.4); c.8263G>A (NM_004369.3); short protein forms A2148T, A2549T, A2755T.
Identifiers: ClinVar variation 1520326 (VCV001520326.7), dbSNP rs775790310, ClinGen allele CA2187587.